The following is an entry in ClinVar:

NM_001286.5(CLCN6):c.215A>G (p.Lys72Arg)

Gene: CLCN6 (chloride voltage-gated channel 6; plus strand). Cytogenetic location: 1p36.22.
Variant type: single nucleotide variant.
Coding change: c.215A>G on transcript NM_001286.5 (MANE Select); coding-DNA position 215, A replaced by G.
Protein change: p.Lys72Arg; replaces lysine 72 with arginine.
Molecular consequence: missense variant. On other transcripts: non-coding transcript variant (1).
Genome position (GRCh38, 1-based): chr1:11,816,616, A>G. VCF-style: chr1-11816616-A-G. GRCh37 (hg19) VCF-style: chr1-11876673-A-G.
Other names: c.149A>G, p.Lys50Arg (NM_001256959.2); c.215A>G (NM_001286.2); short protein forms K50R, K72R.
Identifiers: ClinVar variation 2144864 (VCV002144864.5), dbSNP rs762110634, ClinGen allele CA595951.
Genomic context (GRCh38, chr1:11,816,616, plus strand): 5'-TTCTTCCCCTCTGCCACCATAACCCTGTAAACTGAATCATTCTTTTCCTGTGTGAACAGA[A>G]AGGTCGAAGATATGAGGCGGTGAAGTGGATGGTGGTGTTTGCCATTGGAGTCTGCACTGG-3'
Protein context (NP_001277.2, residues 62-82): LEVLETMDNK[Lys72Arg]GRRYEAVKWM

ClinVar aggregate classification (germline): Uncertain significance. Review status: criteria provided, multiple submitters, no conflicts (2 of 4 stars). 2 submissions from 2 submitters: Uncertain significance (2). Last evaluated 2026-01-19.

Allele frequency attached by ClinVar (database versions not stated): gnomAD exomes 0.00003; TOPMed 0.00004; ExAC 0.00012.
gnomAD v4.1: 19 of 1,612,320 alleles (0.0012%); highest among the groups gnomAD compares: Admixed American, 0.032%; no homozygotes.

Submissions (2):

Labcorp Genetics (formerly Invitae), Labcorp
Classification: Uncertain significance. Last evaluated: 2026-01-19. Review status: criteria provided, single submitter. Criteria: Invitae Variant Classification Sherloc (09022015). Collection method: clinical testing. Allele origin: germline.
Comment: This sequence change replaces lysine, which is basic and polar, with arginine, which is basic and polar, at codon 72 of the CLCN6 protein (p.Lys72Arg). This variant is present in population databases (rs762110634, gnomAD 0.05%), and has an allele count higher than expected for a pathogenic variant. This variant has not been reported in the literature in individuals affected with CLCN6-related conditions. ClinVar contains an entry for this variant (Variation ID: 2144864). An algorithm developed to predict the effect of missense changes on protein structure and function (PolyPhen-2) suggests that this variant is likely to be tolerated. In summary, the available evidence is currently insufficient to determine the role of this variant in disease. Therefore, it has been classified as a Variant of Uncertain Significance.

Ambry Genetics
Classification: Uncertain significance. Last evaluated: 2024-10-01. Review status: criteria provided, single submitter. Criteria: Ambry Variant Classification Scheme 2023. Collection method: clinical testing. Allele origin: germline.